The following is an entry in ClinVar:

ClinVar aggregate classification (germline): Conflicting classifications of pathogenicity. Review status: criteria provided, conflicting classifications (1 of 4 stars). 3 submissions from 3 submitters: Uncertain significance (2); Benign (1). Last evaluated 2024-10-10.

Conditions:
Inborn genetic diseases. Identifiers: MedGen C0950123, MeSH D030342.
Spinocerebellar ataxia, autosomal recessive, with axonal neuropathy 2 (SCAN2). Also called: Ataxia with Oculomotor Apraxia Type 2; ATAXIA-OCULOMOTOR APRAXIA 2; Ataxia-ocular apraxia-2; Ataxia with Oculomotor Apraxia. Identifiers: Orphanet 64753, MedGen C1853761, MONDO:0018996, OMIM 606002.
Amyotrophic lateral sclerosis type 4 (ALS4). Also called: NEURONOPATHY, DISTAL HEREDITARY MOTOR, WITH PYRAMIDAL FEATURES; AMYOTROPHIC LATERAL SCLEROSIS 4, JUVENILE. Identifiers: Orphanet 357043, MedGen C1865409, MONDO:0011223, OMIM 602433.

Allele frequency attached by ClinVar (database versions not stated): gnomAD 0.00001; TOPMed 0.00002; ExAC 0.00003; gnomAD exomes 0.00005.
gnomAD v4.1: 66 of 1,613,864 alleles (0.0041%); highest among the groups gnomAD compares: Non-Finnish European, 0.0053%; no homozygotes.

Submissions (3):

Labcorp Genetics (formerly Invitae), Labcorp
Classification: Benign for Amyotrophic lateral sclerosis type 4; Spinocerebellar ataxia, autosomal recessive, with axonal neuropathy 2. Last evaluated: 2024-10-10. Review status: criteria provided, single submitter. Criteria: Invitae Variant Classification Sherloc (09022015). Collection method: clinical testing. Allele origin: germline.

Blueprint Genetics
Classification: Uncertain significance. Last evaluated: 2024-08-28. Review status: criteria provided, single submitter. Criteria: ACMG Guidelines, 2015. Collection method: clinical testing. Allele origin: germline.

Ambry Genetics
Classification: Uncertain significance for Inborn genetic diseases. Last evaluated: 2022-08-08. Review status: criteria provided, single submitter. Criteria: Ambry Variant Classification Scheme 2023. Collection method: clinical testing. Allele origin: germline.
Comment: The p.K1063E variant (also known as c.3187A>G), located in coding exon 8 of the SETX gene, results from an A to G substitution at nucleotide position 3187. The lysine at codon 1063 is replaced by glutamic acid, an amino acid with similar properties. This amino acid position is conserved. In addition, this alteration is predicted to be tolerated by in silico analysis. Since supporting evidence is limited at this time, the clinical significance of this alteration remains unclear.

NM_015046.7(SETX):c.3187A>G (p.Lys1063Glu)

Gene: SETX (senataxin; minus strand). Cytogenetic location: 9q34.13.
Variant type: single nucleotide variant.
Coding change: c.3187A>G on transcript NM_015046.7 (MANE Select); coding-DNA position 3187, A replaced by G.
Protein change: p.Lys1063Glu; replaces lysine 1063 with glutamic acid.
Molecular consequence: missense variant.
Genome position (GRCh38, 1-based): chr9:132,328,411, T>C on the plus strand (A>G on the coding strand, the complement: SETX is on the minus strand). VCF-style: chr9-132328411-T-C. GRCh37 (hg19) VCF-style: chr9-135203798-T-C.
Other names: c.3187A>G, p.Lys1063Glu (NM_001351527.2, NM_001351528.2); short protein forms K1063E.
Identifiers: ClinVar variation 1728602 (VCV001728602.8), dbSNP rs781393200, ClinGen allele CA5297453.